The following is an entry in ClinVar:

NM_015072.5(TTLL5):c.388C>T (p.Arg130Trp)

Gene: TTLL5 (tubulin tyrosine ligase like 5; plus strand). Cytogenetic location: 14q24.3.
Variant type: single nucleotide variant.
Coding change: c.388C>T on transcript NM_015072.5 (MANE Select); coding-DNA position 388, C replaced by T.
Protein change: p.Arg130Trp; replaces arginine 130 with tryptophan.
Molecular consequence: missense variant.
Genome position (GRCh38, 1-based): chr14:75,690,208, C>T. VCF-style: chr14-75690208-C-T. GRCh37 (hg19) VCF-style: chr14-76156551-C-T.
Other names: short protein forms R130W.
Identifiers: ClinVar variation 965893 (VCV000965893.6), dbSNP rs762832841, ClinGen allele CA7278914.

ClinVar aggregate classification (germline): Uncertain significance. Review status: criteria provided, multiple submitters, no conflicts (2 of 4 stars). 2 submissions from 2 submitters: Uncertain significance (2). Last evaluated 2024-04-23.

Allele frequency attached by ClinVar (database versions not stated): TOPMed below 0.00001; gnomAD 0.00001; ExAC 0.00002; gnomAD exomes 0.00002 and 0.00003.

Submissions (2):

Blueprint Genetics
Classification: Uncertain significance. Last evaluated: 2024-04-23. Review status: criteria provided, single submitter. Criteria: ACMG Guidelines, 2015. Collection method: clinical testing. Allele origin: germline.

Labcorp Genetics (formerly Invitae), Labcorp
Classification: Uncertain significance. Last evaluated: 2022-03-04. Review status: criteria provided, single submitter. Criteria: Invitae Variant Classification Sherloc (09022015). Collection method: clinical testing. Allele origin: germline.
Comment: This sequence change replaces arginine, which is basic and polar, with tryptophan, which is neutral and slightly polar, at codon 130 of the TTLL5 protein (p.Arg130Trp). This variant is present in population databases (rs762832841, gnomAD 0.01%). This missense change has been observed in individual(s) with clinical features of TTLL5-related conditions (Invitae). ClinVar contains an entry for this variant (Variation ID: 965893). Algorithms developed to predict the effect of missense changes on protein structure and function are either unavailable or do not agree on the potential impact of this missense change (SIFT: "Deleterious"; PolyPhen-2: "Probably Damaging"; Align-GVGD: "Class C15"). In summary, the available evidence is currently insufficient to determine the role of this variant in disease. Therefore, it has been classified as a Variant of Uncertain Significance.